The following is an entry in ClinVar:

NM_001904.4(CTNNB1):c.2076+2T>C

Gene: CTNNB1 (catenin beta 1; plus strand). Cytogenetic location: 3p22.1.
Variant type: single nucleotide variant.
Coding change: c.2076+2T>C on transcript NM_001904.4 (MANE Select); the canonical splice donor site of the intron after coding-DNA position 2076, T replaced by C.
Molecular consequence: splice donor variant.
Genome position (GRCh38, 1-based): chr3:41,236,711, T>C. VCF-style: chr3-41236711-T-C. GRCh37 (hg19) VCF-style: chr3-41278202-T-C.
Other names: c.2055+2T>C (NM_001330729.2); c.2076+2T>C (NM_001098209.2, NM_001098210.2).
Identifiers: ClinVar variation 449767 (VCV000449767.2), dbSNP rs1553632414, ClinGen allele CA352236823.
Genomic context (GRCh38, chr3:41,236,711, plus strand): 5'-GGCTTTCAGTTGAGCTGACCAGCTCTCTCTTCAGAACAGAGCCAATGGCTTGGAATGAGG[T>C]AGGGAAATGTGAGCAGTTATTTATCTGGTAGTTTCCTAGAGCAGGTATGGCAGCTTGTTC-3'

ClinVar aggregate classification (germline): Pathogenic (1 of 4 stars; one submission).

Submission:

GeneDx
Classification: Pathogenic. Last evaluated: 2016-07-21. Review status: criteria provided, single submitter. Criteria: GeneDx Variant Classification (06012015). Collection method: clinical testing. Allele origin: germline. Affected: yes.
Comment: The c.2076+2T>C pathogenic variant in the CTNNB1 gene has not been reported previously as a pathogenic variant nor as a benign variant, to our knowledge. This splice site variant destroys the canonical splice donor site in intron 13. It is predicted to cause abnormal gene splicing, either leading to an abnormal message that is subject to nonsense-mediated mRNA decay, or to an abnormal protein product if the message is used for protein translation. The c.2076+2T>C variant was not observed in approximately 6500 individuals of European and African American ancestry in the NHLBI Exome Sequencing Project, indicating it is not a common benign variant in these populations. We interpret c.2076+2T>C as a pathogenic variant